The following is an entry in ClinVar:

ClinVar aggregate classification (germline): Pathogenic (1 of 4 stars; one submission).

Submission:

Labcorp Genetics (formerly Invitae), Labcorp
Classification: Pathogenic. Last evaluated: 2025-11-28. Review status: criteria provided, single submitter. Criteria: Invitae Variant Classification Sherloc (09022015). Collection method: clinical testing. Allele origin: germline.
Comment: This sequence change creates a premature translational stop signal (p.Gln791Alafs*71) in the CARMIL2 gene. It is expected to result in an absent or disrupted protein product. Loss-of-function variants in CARMIL2 are known to be pathogenic (PMID: 27647349, 28112205). This variant is not present in population databases (gnomAD no frequency). This variant has not been reported in the literature in individuals affected with CARMIL2-related conditions. For these reasons, this variant has been classified as Pathogenic.

Literature cited by the submitters: PubMed 27647349; PubMed 28112205.

NM_001013838.3(CARMIL2):c.2370dup (p.Gln791fs)

Gene: CARMIL2 (capping protein regulator and myosin 1 linker 2; plus strand). Cytogenetic location: 16q22.1.
Variant type: Duplication.
Coding change: c.2370dup on transcript NM_001013838.3 (MANE Select); coding-DNA position 2370, one base duplicated (G; older notation c.2370dupG).
Protein change: p.Gln791fs; shifts the reading frame from glutamine 791.
Molecular consequence: frameshift variant.
Genome position (GRCh38, 1-based): chr16:67,651,457, G duplicated; the last of 3 consecutive G bases (chr16:67,651,455-67,651,457); duplicating any one gives the same sequence. VCF-style (leftmost placement, unchanged base first): chr16-67651454-T-TG. GRCh37 (hg19) VCF-style: chr16-67685357-T-TG.
Other names: c.2262dup, p.Gln755fs (NM_001317026.3, NM_001438244.1, NM_001438835.1); short protein forms Q791fs, Q755fs.
Identifiers: ClinVar variation 4731562 (VCV004731562.1).